The following is an entry in ClinVar:

NM_080680.3(COL11A2):c.4675C>T (p.Arg1559Trp)

Gene: COL11A2 (collagen type XI alpha 2 chain; minus strand). Cytogenetic location: 6p21.32.
Variant type: single nucleotide variant.
Coding change: c.4675C>T on transcript NM_080680.3 (MANE Select); coding-DNA position 4675, C replaced by T.
Protein change: p.Arg1559Trp; replaces arginine 1559 with tryptophan.
Molecular consequence: missense variant.
Genome position (GRCh38, 1-based): chr6:33,165,624, G>A on the plus strand (C>T on the coding strand, the complement: COL11A2 is on the minus strand). VCF-style: chr6-33165624-G-A. GRCh37 (hg19) VCF-style: chr6-33133401-G-A.
Other names: c.4354C>T, p.Arg1452Trp (NM_080679.3); c.4417C>T, p.Arg1473Trp (NM_080681.3); short protein forms R1559W, R1473W, R1452W.
Identifiers: ClinVar variation 286504 (VCV000286504.19), dbSNP rs370966667, ClinGen allele CA3750023.
Genomic context (GRCh38, chr6:33,165,624, plus strand): 5'-GGTGGCACAGCTTCAGGTCCTGGCAGGTGCGAGCAGGGCTGTCCTGGGTCCCTGTTGGCC[G>A]CCTCATCTGCTCGATCTCCTCCCGCAGGGAGTCGAGTGAGCCAAAGATCTCCTCCAGCCC-3'
Protein context (NP_542411.2, residues 1549-1569): SLREEIEQMR[Arg1559Trp]PTGTQDSPAR

ClinVar aggregate classification (germline): Conflicting classifications of pathogenicity. Review status: criteria provided, conflicting classifications (1 of 4 stars). 5 submissions from 4 submitters: Uncertain significance (3); Likely benign (2). Last evaluated 2025-10-29.

Conditions:
Fibrochondrogenesis 2 (FBCG2). Identifiers: Orphanet 2021, MedGen C3281128, MONDO:0013795, OMIM 614524.
Otospondylomegaepiphyseal dysplasia, autosomal recessive (OSMEDB). Also called: CHONDRODYSTROPHY WITH SENSORINEURAL DEAFNESS; Insley-Astley syndrome. Identifiers: Orphanet 1427, MedGen CN034493, MONDO:0044206, OMIM 215150.

Allele frequency attached by ClinVar (database versions not stated): ExAC 0.00002; TOPMed 0.00004; gnomAD 0.00005; ESP Exome Variant Server 0.00008.
gnomAD v4.1: 57 of 1,613,036 alleles (0.0035%); highest among the groups gnomAD compares: African/African-American, 0.012%; 1 homozygote.

Submissions (5):

Labcorp Genetics (formerly Invitae), Labcorp
Classification: Likely benign. Last evaluated: 2025-10-29. Review status: criteria provided, single submitter. Criteria: Invitae Variant Classification Sherloc (09022015). Collection method: clinical testing. Allele origin: germline.

GeneDx
Classification: Likely benign. Last evaluated: 2019-12-30. Review status: criteria provided, single submitter. Criteria: GeneDx Variant Classification Process June 2021. Collection method: clinical testing. Allele origin: germline. Affected: yes.
Comment: Has not been previously published as pathogenic or benign to our knowledge

Eurofins Ntd Llc (ga)
Classification: Uncertain significance. Last evaluated: 2018-09-07. Review status: criteria provided, single submitter. Criteria: EGL ClinVar v180209 classification definitions. Collection method: clinical testing. Allele origin: germline. Observed: 1 variant allele, 1 heterozygote.

Illumina Laboratory Services, Illumina
Classification: Uncertain significance for Fibrochondrogenesis 2. Last evaluated: 2018-01-13. Review status: criteria provided, single submitter. Criteria: ICSL Variant Classification Criteria 13 December 2019. Collection method: clinical testing. Allele origin: germline.

Illumina Laboratory Services, Illumina
Classification: Uncertain significance for Otospondylomegaepiphyseal dysplasia, autosomal recessive. Last evaluated: 2018-01-13. Review status: criteria provided, single submitter. Criteria: ICSL Variant Classification Criteria 13 December 2019. Collection method: clinical testing. Allele origin: germline.